The following is an entry in ClinVar:

ClinVar aggregate classification (germline): Uncertain significance (1 of 4 stars; one submission).

Submission:

GeneDx
Classification: Uncertain significance. Last evaluated: 2023-04-21. Review status: criteria provided, single submitter. Criteria: GeneDx Variant Classification Process June 2021. Collection method: clinical testing. Allele origin: germline. Affected: yes.
Comment: Not observed at significant frequency in large population cohorts (gnomAD); In silico analysis supports that this missense variant has a deleterious effect on protein structure/function; Has not been previously published as pathogenic or benign to our knowledge

NM_014991.6(WDFY3):c.4009G>C (p.Ala1337Pro)

Gene: WDFY3 (WD repeat and FYVE domain containing 3; minus strand). Cytogenetic location: 4q21.23.
Variant type: single nucleotide variant.
Coding change: c.4009G>C on transcript NM_014991.6 (MANE Select); coding-DNA position 4009, G replaced by C.
Protein change: p.Ala1337Pro; replaces alanine 1337 with proline.
Molecular consequence: missense variant.
Genome position (GRCh38, 1-based): chr4:84,786,032, C>G on the plus strand (G>C on the coding strand, the complement: WDFY3 is on the minus strand). VCF-style: chr4-84786032-C-G. GRCh37 (hg19) VCF-style: chr4-85707185-C-G.
Other names: short protein forms A1337P.
Identifiers: ClinVar variation 2662117 (VCV002662117.1), dbSNP rs2533479670, ClinGen allele CA357553604.